The following is an entry in ClinVar:

NM_004329.3(BMPR1A):c.567C>A (p.Tyr189Ter)

Gene: BMPR1A (bone morphogenetic protein receptor type 1A; plus strand). Cytogenetic location: 10q23.2.
Variant type: single nucleotide variant.
Coding change: c.567C>A on transcript NM_004329.3 (MANE Select); coding-DNA position 567, C replaced by A.
Protein change: p.Tyr189Ter; replaces tyrosine 189 with a stop codon.
Molecular consequence: nonsense.
Genome position (GRCh38, 1-based): chr10:86,912,276, C>A. VCF-style: chr10-86912276-C-A. GRCh37 (hg19) VCF-style: chr10-88672033-C-A.
Other names: short protein forms Y189*.
Identifiers: ClinVar variation 460505 (VCV000460505.12), dbSNP rs1554890213, ClinGen allele CA377454413.

ClinVar aggregate classification (germline): Pathogenic. Review status: criteria provided, multiple submitters, no conflicts (2 of 4 stars). 2 submissions from 2 submitters: Pathogenic (2). Last evaluated 2024-04-18.

Conditions:
Juvenile polyposis syndrome (JPS). Identifiers: Orphanet 2929, MedGen C0345893, MONDO:0017380, OMIM 174900.
Hereditary cancer-predisposing syndrome. Also called: Hereditary neoplastic syndrome; Neoplastic Syndromes, Hereditary; Tumor predisposition; Hereditary Cancer Syndrome. Identifiers: Orphanet 140162, MedGen C0027672, MeSH D009386, MONDO:0015356.

Submissions (2):

Ambry Genetics
Classification: Pathogenic for Hereditary cancer-predisposing syndrome. Last evaluated: 2024-04-18. Review status: criteria provided, single submitter. Criteria: Ambry Variant Classification Scheme 2023. Collection method: clinical testing. Allele origin: germline.
Comment: The p.Y189* pathogenic mutation (also known as c.567C>A), located in coding exon 6 of the BMPR1A gene, results from a C to A substitution at nucleotide position 567. This changes the amino acid from a tyrosine to a stop codon within coding exon 6. This variant has been observed in multiple individuals with a personal and/or family history that is consistent with BMPR1A-related juvenile polyposis syndrome (Handra-Luca A et al. Am J Med Genet A, 2005 Oct;138A:113-7; Ambry internal data). This variant is considered to be rare based on population cohorts in the Genome Aggregation Database (gnomAD). In addition to the clinical data presented in the literature, this alteration is expected to result in loss of function by premature protein truncation or nonsense-mediated mRNA decay. As such, this alteration is interpreted as a disease-causing mutation.

Labcorp Genetics (formerly Invitae), Labcorp
Classification: Pathogenic for Juvenile polyposis syndrome. Last evaluated: 2023-09-04. Review status: criteria provided, single submitter. Criteria: Invitae Variant Classification Sherloc (09022015). Collection method: clinical testing. Allele origin: germline.
Comment: For these reasons, this variant has been classified as Pathogenic. ClinVar contains an entry for this variant (Variation ID: 460505). This premature translational stop signal has been observed in individual(s) with juvenile polyposis syndrome (PMID: 16152648). This variant is not present in population databases (gnomAD no frequency). This sequence change creates a premature translational stop signal (p.Tyr189*) in the BMPR1A gene. It is expected to result in an absent or disrupted protein product. Loss-of-function variants in BMPR1A are known to be pathogenic (PMID: 11536076, 12417513).

Literature cited by the submitters: PubMed 16152648 (cited by Ambry Genetics and Labcorp Genetics (formerly Invitae), Labcorp); PubMed 11536076 (cited by Labcorp Genetics (formerly Invitae), Labcorp); PubMed 12417513 (cited by Labcorp Genetics (formerly Invitae), Labcorp).